The following is an entry in ClinVar:

ClinVar aggregate classification (germline): Uncertain significance (1 of 4 stars; one submission).

Submission:

CeGaT Center for Human Genetics Tuebingen
Classification: Uncertain significance. Last evaluated: 2026-07-01. Review status: criteria provided, single submitter. Criteria: CeGaT Center For Human Genetics Tuebingen Variant Classification Criteria Version 2. Collection method: clinical testing. Allele origin: germline. Affected: yes. Observed: 1 variant allele.
Comment: PIK3R2: PM2, PS2:Moderate, PP3

NM_005027.4(PIK3R2):c.1873G>C (p.Gly625Arg)

Gene: PIK3R2 (phosphoinositide-3-kinase regulatory subunit 2; plus strand). Cytogenetic location: 19p13.11.
Variant type: single nucleotide variant.
Coding change: c.1873G>C on transcript NM_005027.4 (MANE Select); coding-DNA position 1873, G replaced by C.
Protein change: p.Gly625Arg; replaces glycine 625 with arginine.
Molecular consequence: missense variant. On other transcripts: non-coding transcript variant (2).
Genome position (GRCh38, 1-based): chr19:18,168,790, G>C. VCF-style: chr19-18168790-G-C. GRCh37 (hg19) VCF-style: chr19-18279600-G-C.
Other names: short protein forms G625R.
Identifiers: ClinVar variation 5039618 (VCV005039618.1).